The following is an entry in ClinVar:

NM_002875.5(RAD51):c.326T>C (p.Leu109Pro)

Gene: RAD51 (RAD51 recombinase; plus strand). Cytogenetic location: 15q15.1.
Variant type: single nucleotide variant.
Coding change: c.326T>C on transcript NM_002875.5 (MANE Select); coding-DNA position 326, T replaced by C.
Protein change: p.Leu109Pro; replaces leucine 109 with proline.
Molecular consequence: missense variant. On other transcripts: intron variant (2).
Genome position (GRCh38, 1-based): chr15:40,706,277, T>C. VCF-style: chr15-40706277-T-C. GRCh37 (hg19) VCF-style: chr15-40998475-T-C.
Other names: c.326T>C, p.Leu109Pro (NM_001164270.2); c.347-2748T>C (NM_133487.4, NM_001164269.2); short protein forms L109P.
Identifiers: ClinVar variation 1729615 (VCV001729615.2), dbSNP rs2504436949, ClinGen allele CA391749968.

ClinVar aggregate classification (germline): Uncertain significance (1 of 4 stars; one submission).

Conditions:
Inborn genetic diseases. Identifiers: MedGen C0950123, MeSH D030342.

Submission:

Ambry Genetics
Classification: Uncertain significance for Inborn genetic diseases. Last evaluated: 2022-01-21. Review status: criteria provided, single submitter. Criteria: Ambry Variant Classification Scheme 2023. Collection method: clinical testing. Allele origin: germline.
Comment: The p.L109P variant (also known as c.326T>C), located in coding exon 3 of the RAD51 gene, results from a T to C substitution at nucleotide position 326. The leucine at codon 109 is replaced by proline, an amino acid with similar properties. This amino acid position is conserved. In addition, this alteration is predicted to be deleterious by in silico analysis. Since supporting evidence is limited at this time, the clinical significance of this alteration remains unclear.